The following is an entry in ClinVar:

ClinVar aggregate classification (germline): Benign (1 of 4 stars; one submission).

Allele frequency attached by ClinVar (database versions not stated): 1000 Genomes Project 0.13938; 1000 Genomes Project 30x 0.14147; gnomAD 0.14228 and 0.14487; TOPMed 0.14754.
gnomAD v4.1: 21,445 of 150,886 alleles (14%); highest among the groups gnomAD compares: African/African-American, 25%; 1,938 homozygotes.

Submission:

GeneDx
Classification: Benign. Last evaluated: 2018-06-19. Review status: criteria provided, single submitter. Criteria: GeneDx Variant Classification (06012015). Collection method: clinical testing. Allele origin: germline. Affected: yes.
Comment: This variant is considered likely benign or benign based on one or more of the following criteria: it is a conservative change, it occurs at a poorly conserved position in the protein, it is predicted to be benign by multiple in silico algorithms, and/or has population frequency not consistent with disease.

NM_001182.5(ALDH7A1):c.393+264C>G

Gene: ALDH7A1 (aldehyde dehydrogenase 7 family member A1; minus strand). Cytogenetic location: 5q23.2.
Variant type: single nucleotide variant.
Coding change: c.393+264C>G on transcript NM_001182.5 (MANE Select); 264 bases into the intron after coding-DNA position 393, C replaced by G.
Molecular consequence: intron variant.
Genome position (GRCh38, 1-based): chr5:126,583,668, G>C on the plus strand (C>G on the coding strand, the complement: ALDH7A1 is on the minus strand). VCF-style: chr5-126583668-G-C. GRCh37 (hg19) VCF-style: chr5-125919360-G-C.
Other names: c.393+264C>G (NM_001202404.2); c.309+264C>G (NM_001201377.2).
Identifiers: ClinVar variation 668796 (VCV000668796.1), dbSNP rs13188450, ClinGen allele CA12086975.